The following is an entry in ClinVar:

ClinVar aggregate classification (germline): Uncertain significance. Review status: criteria provided, multiple submitters, no conflicts (2 of 4 stars). 5 submissions from 5 submitters: Uncertain significance (5). Last evaluated 2025-09-22.

Conditions:
Hereditary cancer-predisposing syndrome. Also called: Hereditary neoplastic syndrome; Neoplastic Syndromes, Hereditary; Tumor predisposition; Hereditary Cancer Syndrome. Identifiers: Orphanet 140162, MedGen C0027672, MeSH D009386, MONDO:0015356.
Familial adenomatous polyposis 1 (FAP1). Also called: FAMILIAL ADENOMATOUS POLYPOSIS 1, ATTENUATED; POLYPOSIS, ADENOMATOUS INTESTINAL. Identifiers: MedGen C2713442, MONDO:0021056, OMIM 175100. Disease mechanism: loss of function.

Allele frequency attached by ClinVar (database versions not stated): gnomAD exomes below 0.00001; TOPMed below 0.00001; ExAC 0.00001; gnomAD 0.00001.
gnomAD v4.1: 7 of 1,613,738 alleles (0.00043%); highest among the groups gnomAD compares: African/African-American, 0.0067%; no homozygotes.

Submissions (5):

Ambry Genetics
Classification: Uncertain significance for Hereditary cancer-predisposing syndrome. Last evaluated: 2025-09-22. Review status: criteria provided, single submitter. Criteria: Ambry Variant Classification Scheme 2023. Collection method: clinical testing. Allele origin: germline.
Comment: The p.I1956V variant (also known as c.5866A>G), located in coding exon 15 of the APC gene, results from an A to G substitution at nucleotide position 5866. The isoleucine at codon 1956 is replaced by valine, an amino acid with highly similar properties. This alteration was detected in a study of 1,165 individuals with a history of colorectal cancer or colon polyps as well as 590 controls (Gordon AS et al. Am J Hum Genet, 2019 09;105:526-533). This amino acid position is well conserved in available vertebrate species. In addition, in silico predictors for this gene do not accurately predict pathogenicity. Missense alterations in APC are not a common cause of disease (Spier I et al. Genet Med. 2024 Feb;26(2):100992). Based on the available evidence, the clinical significance of this variant remains unclear.

Labcorp Genetics (formerly Invitae), Labcorp
Classification: Uncertain significance for Familial adenomatous polyposis 1. Last evaluated: 2025-03-23. Review status: criteria provided, single submitter. Criteria: Invitae Variant Classification Sherloc (09022015). Collection method: clinical testing. Allele origin: germline.
Comment: This sequence change replaces isoleucine, which is neutral and non-polar, with valine, which is neutral and non-polar, at codon 1956 of the APC protein (p.Ile1956Val). This variant is present in population databases (rs749597014, gnomAD 0.007%). This missense change has been observed in individual(s) with APC-related conditions (PMID: 31422818). ClinVar contains an entry for this variant (Variation ID: 246202). Invitae Evidence Modeling of protein sequence and biophysical properties (such as structural, functional, and spatial information, amino acid conservation, physicochemical variation, residue mobility, and thermodynamic stability) indicates that this missense variant is not expected to disrupt APC protein function with a negative predictive value of 95%. In summary, the available evidence is currently insufficient to determine the role of this variant in disease. Therefore, it has been classified as a Variant of Uncertain Significance.

Women's Health and Genetics/Laboratory Corporation of America, LabCorp
Classification: Uncertain significance. Last evaluated: 2023-11-15. Review status: criteria provided, single submitter. Criteria: LabCorp Variant Classification Summary - May 2015. Collection method: clinical testing. Allele origin: germline.
Comment: Variant summary: APC c.5866A>G (p.Ile1956Val) results in a conservative amino acid change in the encoded protein sequence. Four of five in-silico tools predict a benign effect of the variant on protein function. The variant allele was found at a frequency of 4e-06 in 250816 control chromosomes. The available data on variant occurrences in the general population are insufficient to allow any conclusion about variant significance. c.5866A>G has been reported in the literature in one community-based participant with unspecified conditions and in one non-cancer control subject from a large case-control study of Biliary tract cancer (example, Okawa_2023 and Gordon_2019). These report(s) do not provide unequivocal conclusions about association of the variant with Familial Adenomatous Polyposis. To our knowledge, no experimental evidence demonstrating an impact on protein function has been reported. The following publications have been ascertained in the context of this evaluation (PMID: 31422818, 36243179). Four submitters have cited clinical-significance assessments for this variant to ClinVar after 2014. All submitters classified the variant as uncertain significance. Based on the evidence outlined above, the variant was classified as uncertain significance.

GeneDx
Classification: Uncertain significance. Last evaluated: 2020-09-16. Review status: criteria provided, single submitter. Criteria: GeneDx Variant Classification Process June 2021. Collection method: clinical testing. Allele origin: germline. Affected: yes.
Comment: In silico analysis supports that this missense variant does not alter protein structure/function; Observed in a colorectal cancer/polyps case-control study, but it is unclear whether it was detected in cases or controls (Gordon 2019); This variant is associated with the following publications: (PMID: 31422818)

Laboratory for Molecular Medicine, Mass General Brigham Personalized Medicine
Classification: Uncertain significance. Last evaluated: 2017-04-17. Review status: criteria provided, single submitter. Criteria: LMM Criteria. Collection method: clinical testing. Allele origin: germline. Observed: 1 variant allele.
Comment: The p.Ile1956Val variant in APC has not been previously reported in the literatu re in individuals with familial adenomatous polyposis or other APC-associated di sorders, but has been reported in ClinVar (Variation ID 246202). This variant ha s been identified in 1/15286 of African chromosomes by the Genome Aggregation Da tabase (ExAC; dbSNP rs749597014). Computationa l prediction tools and conservation analysis do not provide strong support for o r against an impact to the protein. In summary, the clinical significance of the p.Ile1956Val variant is uncertain.

Literature cited by the submitters: PubMed 31422818 (cited by 3 submitters); PubMed 36243179 (cited by Women's Health and Genetics/Laboratory Corporation of America, LabCorp).

NM_000038.6(APC):c.5866A>G (p.Ile1956Val)

Gene: APC (APC regulator of Wnt signaling pathway; plus strand). Cytogenetic location: 5q22.2.
Variant type: single nucleotide variant.
Coding change: c.5866A>G on transcript NM_000038.6 (MANE Select); coding-DNA position 5866, A replaced by G.
Protein change: p.Ile1956Val; replaces isoleucine 1956 with valine.
Molecular consequence: missense variant.
Genome position (GRCh38, 1-based): chr5:112,841,460, A>G. VCF-style: chr5-112841460-A-G. GRCh37 (hg19) VCF-style: chr5-112177157-A-G.
Other names: c.5866A>G, p.Ile1956Val (NM_001127510.3, NM_001354895.2); c.5812A>G, p.Ile1938Val (NM_001127511.3); c.5920A>G, p.Ile1974Val (NM_001354896.2); c.5896A>G, p.Ile1966Val (NM_001354897.2); c.5791A>G, p.Ile1931Val (NM_001354898.2); c.5782A>G, p.Ile1928Val (NM_001354899.2); c.5743A>G, p.Ile1915Val (NM_001354900.2); c.5689A>G, p.Ile1897Val (NM_001354901.2); and 5 more; short protein forms I1938V, I1956V, I1673V, I1931V, I1796V, I1966V, I1897V, I1915V.
Identifiers: ClinVar variation 246202 (VCV000246202.21), dbSNP rs749597014, ClinGen allele CA043238.